The following is an entry in ClinVar:

NM_005502.4(ABCA1):c.3462+4A>G

Gene: ABCA1 (ATP binding cassette subfamily A member 1; minus strand). Cytogenetic location: 9q31.1.
Variant type: single nucleotide variant.
Coding change: c.3462+4A>G on transcript NM_005502.4 (MANE Select); 4 bases into the intron after coding-DNA position 3462, A replaced by G.
Molecular consequence: intron variant.
Genome position (GRCh38, 1-based): chr9:104,818,659, T>C on the plus strand (A>G on the coding strand, the complement: ABCA1 is on the minus strand). VCF-style: chr9-104818659-T-C. GRCh37 (hg19) VCF-style: chr9-107580940-T-C.
Identifiers: ClinVar variation 2454034 (VCV002454034.2), dbSNP rs1202785872, ClinGen allele CA589838161.

ClinVar aggregate classification (germline): Uncertain significance (1 of 4 stars; one submission).

Conditions:
Cardiovascular phenotype. Identifiers: MedGen CN230736.

Allele frequency attached by ClinVar (database versions not stated): gnomAD exomes below 0.00001; TOPMed 0.00001.
gnomAD v4.1: 1 of 1,612,652 alleles (0.000062%); highest among the groups gnomAD compares: Admixed American, 0.0017%; no homozygotes.

Submission:

Ambry Genetics
Classification: Uncertain significance for Cardiovascular phenotype. Last evaluated: 2022-11-28. Review status: criteria provided, single submitter. Criteria: Ambry Variant Classification Scheme 2023. Collection method: clinical testing. Allele origin: germline.
Comment: The c.3462+4A>G intronic variant results from an A to G substitution 4 nucleotides after coding exon 22 in the ABCA1 gene. This nucleotide position is well conserved in available vertebrate species. In silico splice site analysis predicts that this alteration will not have any significant effect on splicing. Since supporting evidence is limited at this time, the clinical significance of this alteration remains unclear.